The following is an entry in ClinVar:

NM_001184900.3(CARD8):c.1048G>A (p.Glu350Lys)

Gene: CARD8 (caspase recruitment domain family member 8; minus strand). Cytogenetic location: 19q13.33.
Variant type: single nucleotide variant.
Coding change: c.1048G>A on transcript NM_001184900.3 (MANE Select); coding-DNA position 1048, G replaced by A.
Protein change: p.Glu350Lys; replaces glutamic acid 350 with lysine.
Molecular consequence: missense variant. On other transcripts: non-coding transcript variant (3).
Genome position (GRCh38, 1-based): chr19:48,221,843, C>T on the plus strand (G>A on the coding strand, the complement: CARD8 is on the minus strand). VCF-style: chr19-48221843-C-T. GRCh37 (hg19) VCF-style: chr19-48725100-C-T.
Other names: c.898G>A, p.Glu300Lys (NM_001184901.1, NM_001351783.2, NM_001351788.2 and 2 more transcripts); c.1048G>A, p.Glu350Lys (NM_001184902.2, NM_001184903.1, NM_001351782.2); c.733G>A, p.Glu245Lys (NM_001351784.2, NM_001351787.2, NM_001351791.2 and 1 more transcripts); c.712G>A, p.Glu238Lys (NM_001351786.2); c.805G>A, p.Glu269Lys (NM_001351790.2); c.730G>A, p.Glu244Lys (NM_001365950.1); short protein forms E238K, E244K, E350K, E245K, E269K, E300K.
Identifiers: ClinVar variation 2061417 (VCV002061417.4), dbSNP rs2514281867, ClinGen allele CA406665388.

ClinVar aggregate classification (germline): Uncertain significance (1 of 4 stars; one submission).

Allele frequency attached by ClinVar (database versions not stated): gnomAD exomes below 0.00001.

Submission:

Labcorp Genetics (formerly Invitae), Labcorp
Classification: Uncertain significance. Last evaluated: 2024-12-02. Review status: criteria provided, single submitter. Criteria: Invitae Variant Classification Sherloc (09022015). Collection method: clinical testing. Allele origin: germline.
Comment: This sequence change replaces glutamic acid, which is acidic and polar, with lysine, which is basic and polar, at codon 300 of the CARD8 protein (p.Glu300Lys). This variant is not present in population databases (gnomAD no frequency). This variant has not been reported in the literature in individuals affected with CARD8-related conditions. ClinVar contains an entry for this variant (Variation ID: 2061417). An algorithm developed to predict the effect of missense changes on protein structure and function (PolyPhen-2) suggests that this variant is likely to be disruptive. In summary, the available evidence is currently insufficient to determine the role of this variant in disease. Therefore, it has been classified as a Variant of Uncertain Significance.